The following is an entry in ClinVar:

NM_001130144.3(LTBP3):c.2978-5C>G

Genes: LTBP3 (latent transforming growth factor beta binding protein 3; minus strand), LOC121832793 (Sharpr-MPRA regulatory region 4001; plus strand). Cytogenetic location: 11q13.1.
Variant type: single nucleotide variant.
Coding change: c.2978-5C>G on transcript NM_001130144.3 (MANE Select); 5 bases into the intron before coding-DNA position 2978, C replaced by G.
Molecular consequence: intron variant.
Genome position (GRCh38, 1-based): chr11:65,540,619, G>C on the plus strand (C>G on the coding strand, the complement: LTBP3 is on the minus strand). VCF-style: chr11-65540619-G-C. GRCh37 (hg19) VCF-style: chr11-65308090-G-C.
Other names: c.2627-5C>G (NM_001164266.1); c.2978-5C>G (NM_021070.4).
Identifiers: ClinVar variation 4691974 (VCV004691974.1).

ClinVar aggregate classification (germline): Uncertain significance (1 of 4 stars; one submission).

Conditions:
Brachyolmia-amelogenesis imperfecta syndrome. Also called: Tooth agenesis, selective, 6; Dental anomalies and short stature; PLATYSPONDYLY WITH AMELOGENESIS IMPERFECTA. Identifiers: Orphanet 2899, MedGen C1832594, MONDO:0011018, OMIM 601216. Disease mechanism: loss of function.

Submission:

Labcorp Genetics (formerly Invitae), Labcorp
Classification: Uncertain significance for Brachyolmia-amelogenesis imperfecta syndrome. Last evaluated: 2025-02-17. Review status: criteria provided, single submitter. Criteria: Invitae Variant Classification Sherloc (09022015). Collection method: clinical testing. Allele origin: germline.
Comment: This sequence change falls in intron 21 of the LTBP3 gene. It does not directly change the encoded amino acid sequence of the LTBP3 protein. This variant is not present in population databases (gnomAD no frequency). This variant has not been reported in the literature in individuals affected with LTBP3-related conditions. Algorithms developed to predict the effect of sequence changes on RNA splicing suggest that this variant may disrupt the consensus splice site. In summary, the available evidence is currently insufficient to determine the role of this variant in disease. Therefore, it has been classified as a Variant of Uncertain Significance.